The following is an entry in ClinVar:

NM_002230.4(JUP):c.539T>G (p.Met180Arg)

Gene: JUP (junction plakoglobin; minus strand). Cytogenetic location: 17q21.2.
Variant type: single nucleotide variant.
Coding change: c.539T>G on transcript NM_002230.4 (MANE Select); coding-DNA position 539, T replaced by G.
Protein change: p.Met180Arg; replaces methionine 180 with arginine.
Molecular consequence: missense variant.
Genome position (GRCh38, 1-based): chr17:41,769,137, A>C on the plus strand (T>G on the coding strand, the complement: JUP is on the minus strand). VCF-style: chr17-41769137-A-C. GRCh37 (hg19) VCF-style: chr17-39925389-A-C.
Other names: c.539T>G, p.Met180Arg (NM_001352773.2, NM_001352774.2, NM_001352775.2 and 3 more transcripts); short protein forms M180R.
Identifiers: ClinVar variation 1747286 (VCV001747286.2), dbSNP rs2544182773, ClinGen allele CA399503348.

ClinVar aggregate classification (germline): Uncertain significance (1 of 4 stars; one submission).

Conditions:
Cardiovascular phenotype. Identifiers: MedGen CN230736.

Submission:

Ambry Genetics
Classification: Uncertain significance for Cardiovascular phenotype. Last evaluated: 2021-07-07. Review status: criteria provided, single submitter. Criteria: Ambry Variant Classification Scheme 2023. Collection method: clinical testing. Allele origin: germline.
Comment: The p.M180R variant (also known as c.539T>G), located in coding exon 3 of the JUP gene, results from a T to G substitution at nucleotide position 539. The methionine at codon 180 is replaced by arginine, an amino acid with similar properties. This amino acid position is conserved. In addition, this alteration is predicted to be deleterious by in silico analysis. Since supporting evidence is limited at this time, the clinical significance of this alteration remains unclear.